The following is an entry in ClinVar:

ClinVar aggregate classification (germline): Uncertain significance (1 of 4 stars; one submission).

Conditions:
Severe combined immunodeficiency due to DNA-PKcs deficiency. Also called: IMMUNODEFICIENCY 26 WITH NEUROLOGIC ABNORMALITIES; Immunodeficiency 26 with or without neurologic abnormalities. Identifiers: Orphanet 317425, MedGen C4014833, MONDO:0014423, OMIM 615966.

Allele frequency attached by ClinVar (database versions not stated): gnomAD exomes below 0.00001; ExAC 0.00001; gnomAD 0.00001; TOPMed 0.00001.
gnomAD v4.1: 9 of 1,599,598 alleles (0.00056%); highest among the groups gnomAD compares: Non-Finnish European, 0.00068%; no homozygotes.

Submission:

Labcorp Genetics (formerly Invitae), Labcorp
Classification: Uncertain significance for Severe combined immunodeficiency due to DNA-PKcs deficiency. Last evaluated: 2025-05-19. Review status: criteria provided, single submitter. Criteria: Invitae Variant Classification Sherloc (09022015). Collection method: clinical testing. Allele origin: germline.
Comment: This sequence change replaces arginine, which is basic and polar, with histidine, which is basic and polar, at codon 273 of the PRKDC protein (p.Arg273His). The frequency data for this variant in the population databases is considered unreliable, as metrics indicate poor data quality at this position in the gnomAD database. This variant has not been reported in the literature in individuals affected with PRKDC-related conditions. ClinVar contains an entry for this variant (Variation ID: 2184606). Invitae Evidence Modeling of protein sequence and biophysical properties (such as structural, functional, and spatial information, amino acid conservation, physicochemical variation, residue mobility, and thermodynamic stability) indicates that this missense variant is not expected to disrupt PRKDC protein function with a negative predictive value of 80%. In summary, the available evidence is currently insufficient to determine the role of this variant in disease. Therefore, it has been classified as a Variant of Uncertain Significance.

NM_006904.7(PRKDC):c.818G>A (p.Arg273His)

Gene: PRKDC (protein kinase, DNA-activated, catalytic subunit; minus strand). Cytogenetic location: 8q11.21.
Variant type: single nucleotide variant.
Coding change: c.818G>A on transcript NM_006904.7 (MANE Select); coding-DNA position 818, G replaced by A.
Protein change: p.Arg273His; replaces arginine 273 with histidine.
Molecular consequence: missense variant.
Genome position (GRCh38, 1-based): chr8:47,943,357, C>T on the plus strand (G>A on the coding strand, the complement: PRKDC is on the minus strand). VCF-style: chr8-47943357-C-T. GRCh37 (hg19) VCF-style: chr8-48855917-C-T.
Other names: c.818G>A, p.Arg273His (NM_001081640.2); short protein forms R273H.
Identifiers: ClinVar variation 2184606 (VCV002184606.4), dbSNP rs775322168, ClinGen allele CA4741903.